The following is an entry in ClinVar:

ClinVar aggregate classification (germline): Pathogenic. Review status: criteria provided, multiple submitters, no conflicts (2 of 4 stars). 3 submissions from 3 submitters: Pathogenic (2). 1 of the submissions does not count toward it. Last evaluated 2026-01-15.

Conditions:
Ventricular septal defect. Identifiers: MedGen C0018818, MONDO:0002070, HP:0001629.
Short stature. Identifiers: MedGen C0349588, HP:0004322.
Hearing impairment. Also called: Impaired Hearing. Identifiers: MedGen C1384666, MONDO:0005365, HP:0000365.
Flattened epiphysis. Identifiers: MedGen C1857527, HP:0003071.
Disproportionate short stature. Identifiers: MedGen C0878659, HP:0003498.
Craniofacial asymmetry. Identifiers: MedGen C4025320, HP:0004484.
Sensorineural hearing loss disorder. Also called: Sensorineural hearing loss; Sensorineural Deafness; Sensorineural hearing impairment. Identifiers: MedGen C0018784, MeSH D006319, MONDO:0020678, HP:0000407.
Epiphyseal dysplasia. Identifiers: MedGen C0392476, HP:0002656.

Submissions (3):

Labcorp Genetics (formerly Invitae), Labcorp
Classification: Pathogenic. Last evaluated: 2026-01-15. Review status: criteria provided, single submitter. Criteria: Invitae Variant Classification Sherloc (09022015). Collection method: clinical testing. Allele origin: germline.
Comment: This sequence change replaces alanine, which is neutral and non-polar, with threonine, which is neutral and polar, at codon 514 of the FOXP4 protein (p.Ala514Thr). This variant is not present in population databases (gnomAD no frequency). This missense change has been observed in individual(s) with FOXP4-related conditions (PMID: 33110267; internal data). In at least one individual the variant was observed to be de novo. ClinVar contains an entry for this variant (Variation ID: 1472670). Invitae Evidence Modeling of protein sequence and biophysical properties (such as structural, functional, and spatial information, amino acid conservation, physicochemical variation, residue mobility, and thermodynamic stability) indicates that this missense variant is expected to disrupt FOXP4 protein function with a positive predictive value of 80%. Experimental studies have shown that this missense change affects FOXP4 function (PMID: 33110267). For these reasons, this variant has been classified as Pathogenic.

Institute of Human Genetics, University of Leipzig Medical Center
Classification: Pathogenic for Hearing impairment; Sensorineural hearing loss disorder; Ventricular septal defect; Epiphyseal dysplasia; Flattened epiphysis; Disproportionate short stature; Short stature; Craniofacial asymmetry. Last evaluated: 2022-09-05. Review status: criteria provided, single submitter. Criteria: ACMG Guidelines, 2015. Collection method: clinical testing. Allele origin: de novo. Affected: yes.
Comment: This variant was identified as de novo (maternity and paternity confirmed)._x000D_ Criteria applied: PS2, PS3, PS4_MOD, PM2_SUP

Molecular Genetics laboratory, Necker Hospital
Classification: Pathogenic. Last evaluated: 2021-04-12. Review status: no assertion criteria provided. Collection method: clinical testing. Allele origin: de novo. Affected: yes. Not counted in ClinVar's aggregate classification.

Literature cited by the submitters: PubMed 33110267 (cited by Labcorp Genetics (formerly Invitae), Labcorp).

NM_001012426.2(FOXP4):c.1540G>A (p.Ala514Thr)

Gene: FOXP4 (forkhead box P4; plus strand). Cytogenetic location: 6p21.1.
Variant type: single nucleotide variant.
Coding change: c.1540G>A on transcript NM_001012426.2 (MANE Select); coding-DNA position 1540, G replaced by A.
Protein change: p.Ala514Thr; replaces alanine 514 with threonine.
Molecular consequence: missense variant.
Genome position (GRCh38, 1-based): chr6:41,594,873, G>A. VCF-style: chr6-41594873-G-A. GRCh37 (hg19) VCF-style: chr6-41562611-G-A.
Other names: c.1534G>A, p.Ala512Thr (NM_001012427.2); c.1501G>A, p.Ala501Thr (NM_138457.3); short protein forms A501T, A512T, A514T.
Identifiers: ClinVar variation 1472670 (VCV001472670.10), dbSNP rs2127404974, ClinGen allele CA364069908.